The following is an entry in ClinVar:

ClinVar aggregate classification (germline): Uncertain significance. Review status: criteria provided, multiple submitters, no conflicts (2 of 4 stars). 3 submissions from 3 submitters: Uncertain significance (3). Last evaluated 2026-09-05.

Conditions:
DOORS syndrome (DOORS). Also called: Digitorenocerebral syndrome; DEAFNESS, ONYCHODYSTROPHY, OSTEODYSTROPHY, IMPAIRED INTELLECTUAL DEVELOPMENT, AND SEIZURES SYNDROME; DOORS Syndrome (Deafness, Onychodystrophy, Osteodystrophy, Mental Retardation, and Seizures); DOOR SYNDROME; DRC SYNDROME; BRACHYDACTYLY DUE TO ABSENCE OF DISTAL PHALANGES. Identifiers: Orphanet 3231, Orphanet 79500, MedGen C0795934, MONDO:0009079, OMIM 220500. Disease mechanism: loss of function.
Familial infantile myoclonic epilepsy (FIME). Also called: Epilepsy, Myoclonic, Infantile; TBC1D24-Related Familial Infantile Myoclonic Epilepsy (FIME). Identifiers: Orphanet 352582, MedGen C0917800, MONDO:0011506, OMIM 605021.
Autosomal recessive nonsyndromic hearing loss 86 (DFNB86). Also called: Deafness , autosomal recessive 86; TBC1D24-Related Autosomal Recessive Nonsyndromic Hearing Loss (DFNB). Identifiers: Orphanet 90636, MedGen C2829265, MONDO:0013826, OMIM 614617.
Autosomal dominant nonsyndromic hearing loss 65. Also called: Deafness, autosomal dominant 65; TBC1D24-Related Autosomal Dominant Nonsyndromic Hearing Loss (DFNA). Identifiers: Orphanet 90635, MedGen C3892048, MONDO:0014470, OMIM 616044.
Rolandic epilepsy-paroxysmal exercise-induced dystonia-writer's cramp syndrome. Also called: RE-PED-WC; TBC1D24-Related Rolandic Epilepsy with Paroxysmal Exercise-Induced Dystonia and Writer's Cramp (EPRPDC). Identifiers: Orphanet 163727, MedGen C1842531, MONDO:0011970, OMIM 608105.
Developmental and epileptic encephalopathy, 16 (DEE16). Also called: Early infantile epileptic encephalopathy 16; TBC1D24-Related Developmental and Epileptic Encephalopathy (DEE). Identifiers: Orphanet 293181, Orphanet 352596, MedGen C3809173, MONDO:0014133, OMIM 615338.
Developmental and epileptic encephalopathy, 1 (DEE1). Also called: OHTAHARA SYNDROME, X-LINKED; Epileptic encephalopathy, early infantile, 1; INFANTILE SPASM SYNDROME, X-LINKED 1; X-linked infantile spasms; West's syndrome; Tonic spasms with clustering, arrest of psychomotor development and hypsarrhythmia on EEG. Identifiers: MedGen C3463992, MONDO:0010632, OMIM 308350. Disease mechanism: loss of function.

Allele frequency attached by ClinVar (database versions not stated): 1000 Genomes Project 30x 0.00031; gnomAD 0.00006 and 0.00007; 1000 Genomes Project 0.00020; gnomAD exomes 0.00004; TOPMed 0.00006; ExAC 0.00003.
gnomAD v4.1: 68 of 1,613,860 alleles (0.0042%); highest among the groups gnomAD compares: East Asian, 0.049%; no homozygotes.

Submissions (3):

GeneDx
Classification: Uncertain significance. Last evaluated: 2026-09-05. Review status: criteria provided, single submitter. Criteria: GeneDx Variant Classification Process June 2021. Collection method: clinical testing. Allele origin: germline.
Comment: Reported as a heterozygous variant in twin patients with moderate hearing loss; however, the variant did not segregate with disease in another affected family member (PMID: 36672845); In silico analysis suggests that this missense variant does not alter protein structure/function; This variant is associated with the following publications: (PMID: 36672845)

Labcorp Genetics (formerly Invitae), Labcorp
Classification: Uncertain significance for Developmental and epileptic encephalopathy, 1; Autosomal dominant nonsyndromic hearing loss 65. Last evaluated: 2025-05-27. Review status: criteria provided, single submitter. Criteria: Invitae Variant Classification Sherloc (09022015). Collection method: clinical testing. Allele origin: germline.
Comment: This sequence change replaces valine, which is neutral and non-polar, with methionine, which is neutral and non-polar, at codon 201 of the TBC1D24 protein (p.Val201Met). This variant is present in population databases (rs537705878, gnomAD 0.03%). This variant has not been reported in the literature in individuals affected with TBC1D24-related conditions. ClinVar contains an entry for this variant (Variation ID: 936514). Invitae Evidence Modeling of protein sequence and biophysical properties (such as structural, functional, and spatial information, amino acid conservation, physicochemical variation, residue mobility, and thermodynamic stability) indicates that this missense variant is not expected to disrupt TBC1D24 protein function with a negative predictive value of 95%. In summary, the available evidence is currently insufficient to determine the role of this variant in disease. Therefore, it has been classified as a Variant of Uncertain Significance.

Department of Pathology and Laboratory Medicine, Sinai Health System
Classification: Uncertain significance for DOORS syndrome; Familial infantile myoclonic epilepsy; Rolandic epilepsy-paroxysmal exercise-induced dystonia-writer's cramp syndrome; Autosomal recessive nonsyndromic hearing loss 86; Developmental and epileptic encephalopathy, 16; Autosomal dominant nonsyndromic hearing loss 65. Last evaluated: 2022-02-04. Review status: criteria provided, single submitter. Criteria: ACMG Guidelines, 2015. Collection method: research. Allele origin: germline.

NM_001199107.2(TBC1D24):c.601G>A (p.Val201Met)

Gene: TBC1D24 (TBC1 domain family member 24; plus strand). Cytogenetic location: 16p13.3.
Variant type: single nucleotide variant.
Coding change: c.601G>A on transcript NM_001199107.2 (MANE Select); coding-DNA position 601, G replaced by A.
Protein change: p.Val201Met; replaces valine 201 with methionine.
Molecular consequence: missense variant.
Genome position (GRCh38, 1-based): chr16:2,496,749, G>A. VCF-style: chr16-2496749-G-A. GRCh37 (hg19) VCF-style: chr16-2546750-G-A.
Other names: c.601G>A, p.Val201Met (NM_020705.3); short protein forms V201M.
Identifiers: ClinVar variation 936514 (VCV000936514.13), dbSNP rs537705878, ClinGen allele CA7844029.